The following is an entry in ClinVar:

NM_003597.5(KLF11):c.35C>A (p.Ala12Glu)

Gene: KLF11 (KLF transcription factor 11; plus strand). Cytogenetic location: 2p25.1.
Variant type: single nucleotide variant.
Coding change: c.35C>A on transcript NM_003597.5 (MANE Select); coding-DNA position 35, C replaced by A.
Protein change: p.Ala12Glu; replaces alanine 12 with glutamic acid.
Molecular consequence: missense variant.
Genome position (GRCh38, 1-based): chr2:10,043,751, C>A. VCF-style: chr2-10043751-C-A. GRCh37 (hg19) VCF-style: chr2-10183878-C-A.
Other names: short protein forms A12E.
Identifiers: ClinVar variation 3030616 (VCV003030616.4), dbSNP rs1026529156, ClinGen allele CA345798929.

ClinVar aggregate classification (germline): Uncertain significance. Review status: criteria provided, single submitter (1 of 4 stars). 2 submissions from 2 submitters: Uncertain significance (1). 1 of the submissions does not count toward it. Last evaluated 2024-06-12.

Conditions:
KLF11-related disorder. Also called: KLF11-related condition.

Submissions (2):

Labcorp Genetics (formerly Invitae), Labcorp
Classification: Uncertain significance. Last evaluated: 2024-06-12. Review status: criteria provided, single submitter. Criteria: Invitae Variant Classification Sherloc (09022015). Collection method: clinical testing. Allele origin: germline.
Comment: This sequence change replaces alanine, which is neutral and non-polar, with glutamic acid, which is acidic and polar, at codon 12 of the KLF11 protein (p.Ala12Glu). This variant is not present in population databases (gnomAD no frequency). This variant has not been reported in the literature in individuals affected with KLF11-related conditions. An algorithm developed to predict the effect of missense changes on protein structure and function (PolyPhen-2) suggests that this variant is likely to be tolerated. In summary, the available evidence is currently insufficient to determine the role of this variant in disease. Therefore, it has been classified as a Variant of Uncertain Significance.

PreventionGenetics, part of Exact Sciences
Classification: Uncertain significance for KLF11-related condition. Last evaluated: 2024-01-19. Review status: no assertion criteria provided. Collection method: clinical testing. Allele origin: germline. Not counted in ClinVar's aggregate classification.
Comment: The KLF11 c.35C>A variant is predicted to result in the amino acid substitution p.Ala12Glu. To our knowledge, this variant has not been reported in the literature or in a large population database, indicating this variant is rare. At this time, the clinical significance of this variant is uncertain due to the absence of conclusive functional and genetic evidence.